The following is an entry in ClinVar:

ClinVar aggregate classification (germline): Uncertain significance (1 of 4 stars; one submission).

Submission:

Labcorp Genetics (formerly Invitae), Labcorp
Classification: Uncertain significance. Last evaluated: 2022-02-07. Review status: criteria provided, single submitter. Criteria: Invitae Variant Classification Sherloc (09022015). Collection method: clinical testing. Allele origin: germline.
Comment: In summary, the available evidence is currently insufficient to determine the role of this variant in disease. Therefore, it has been classified as a Variant of Uncertain Significance. Algorithms developed to predict the effect of missense changes on protein structure and function (SIFT, PolyPhen-2, Align-GVGD) all suggest that this variant is likely to be disruptive. This variant has not been reported in the literature in individuals affected with IHH-related conditions. This variant is not present in population databases (gnomAD no frequency). This sequence change replaces threonine, which is neutral and polar, with lysine, which is basic and polar, at codon 272 of the IHH protein (p.Thr272Lys).

NM_002181.4(IHH):c.815C>A (p.Thr272Lys)

Gene: IHH (Indian hedgehog signaling molecule; minus strand). Cytogenetic location: 2q35.
Variant type: single nucleotide variant.
Coding change: c.815C>A on transcript NM_002181.4 (MANE Select); coding-DNA position 815, C replaced by A.
Protein change: p.Thr272Lys; replaces threonine 272 with lysine.
Molecular consequence: missense variant.
Genome position (GRCh38, 1-based): chr2:219,055,628, G>T on the plus strand (C>A on the coding strand, the complement: IHH is on the minus strand). VCF-style: chr2-219055628-G-T. GRCh37 (hg19) VCF-style: chr2-219920350-G-T.
Other names: short protein forms T272K.
Identifiers: ClinVar variation 2092251 (VCV002092251.4), dbSNP rs2469510425, ClinGen allele CA350631958.